The following is an entry in ClinVar:

NM_004646.4(NPHS1):c.2334+9C>A

Gene: NPHS1 (NPHS1 adhesion molecule, nephrin; minus strand). Cytogenetic location: 19q13.12.
Variant type: single nucleotide variant.
Coding change: c.2334+9C>A on transcript NM_004646.4 (MANE Select); 9 bases into the intron after coding-DNA position 2334, C replaced by A.
Molecular consequence: intron variant.
Genome position (GRCh38, 1-based): chr19:35,843,463, G>T on the plus strand (C>A on the coding strand, the complement: NPHS1 is on the minus strand). VCF-style: chr19-35843463-G-T. GRCh37 (hg19) VCF-style: chr19-36334365-G-T.
Identifiers: ClinVar variation 890215 (VCV000890215.14), dbSNP rs756158801, ClinGen allele CA632776591.

ClinVar aggregate classification (germline): Conflicting classifications of pathogenicity. Review status: criteria provided, conflicting classifications (1 of 4 stars). 3 submissions from 3 submitters: Uncertain significance (1); Likely benign (1). 1 of the submissions does not count toward it. Last evaluated 2023-06-03.

Conditions:
NPHS1-related disorder. Also called: NPHS1-related condition.
Congenital nephrotic syndrome. Also called: Familial nephrotic syndrome. Identifiers: MedGen C3501848, MeSH C535761, MONDO:0002350, HP:0008677.

gnomAD v4.1: 4 of 1,613,852 alleles (0.00025%); highest among the groups gnomAD compares: Non-Finnish European, 0.00034%; no homozygotes.

Submissions (3):

Labcorp Genetics (formerly Invitae), Labcorp
Classification: Likely benign. Last evaluated: 2023-06-03. Review status: criteria provided, single submitter. Criteria: Invitae Variant Classification Sherloc (09022015). Collection method: clinical testing. Allele origin: germline.

Illumina Laboratory Services, Illumina
Classification: Uncertain significance for Congenital nephrotic syndrome. Last evaluated: 2018-01-13. Review status: criteria provided, single submitter. Criteria: ICSL Variant Classification Criteria 13 December 2019. Collection method: clinical testing. Allele origin: germline.

PreventionGenetics, part of Exact Sciences
Classification: Likely benign for NPHS1-related condition. Last evaluated: 2020-07-25. Review status: no assertion criteria provided. Collection method: clinical testing. Allele origin: germline. Not counted in ClinVar's aggregate classification.
Comment: This variant is classified as likely benign based on ACMG/AMP sequence variant interpretation guidelines (Richards et al. 2015 PMID: 25741868, with internal and published modifications).